The following is an entry in ClinVar:

ClinVar aggregate classification (germline): Uncertain significance (1 of 4 stars; one submission).

Conditions:
Cataract 1 multiple types. Also called: CATARACT, DUFFY-LINKED; CATARACT 1, POSTERIOR SUBCAPSULAR, WITH MICROCORNEA; CATARACT 1, STELLATE NUCLEAR, WITH MICROCORNEA; CATARACT 1, MULTIPLE TYPES, WITH OR WITHOUT MICROCORNEA; CATARACT 1, NUCLEAR PROGRESSIVE; CATARACT 1 WITH MICROCORNEA. Identifiers: Orphanet 1377, MedGen C1861828, MONDO:0007285, OMIM 116200.

Submission:

Dept. Genetics and Cancer, Menzies Institute for Medical Research, University of Tasmania
Classification: Uncertain significance for Cataract 1 multiple types. Last evaluated: 2023-01-21. Review status: criteria provided, single submitter. Criteria: ACMG Guidelines, 2015. Collection method: curation. Allele origin: germline. Affected: yes.
Comment: Variant identified and curated during a GJA8 specific review of the literature in relation to pediatric or congenital cataract. ACMG-AMP criteria applied: PM2(Supporting), BP4. Original variant report: PMID:24968223. The cataract phenotype reported for this variant is: Nuclear. Additional phenotype/s reported in these individual/s are: Strabismus. Gene review and curation guidelines are outlined in: DOI 10.1080/17469899.2023.2160320

Literature cited by the submitters: PubMed 24968223.

NM_005267.5(GJA8):c.367G>A (p.Gly123Ser)

Gene: GJA8 (gap junction protein alpha 8; plus strand). Cytogenetic location: 1q21.2.
Variant type: single nucleotide variant.
Coding change: c.367G>A on transcript NM_005267.5 (MANE Select); coding-DNA position 367, G replaced by A.
Protein change: p.Gly123Ser; replaces glycine 123 with serine.
Molecular consequence: missense variant.
Genome position (GRCh38, 1-based): chr1:147,908,322, G>A. VCF-style: chr1-147908322-G-A. GRCh37 (hg19) VCF-style: chr1-147380449-G-A.
Other names: short protein forms G123S.
Identifiers: ClinVar variation 3253661 (VCV003253661.1), dbSNP rs142026480.
Genomic context (GRCh38, chr1:147,908,322, plus strand): 5'-GAGGAGAAGCGCAAAAGCCGCGAGGCGGAGGAGCTGGGCCAGCAGGCGGGGACTAACGGC[G>A]GCCCGGACCAGGGCAGCGTCAAGAAGAGCAGCGGCAGCAAAGGCACTAAGAAGTTCCGGC-3'
Protein context (NP_005258.2, residues 113-133): ELGQQAGTNG[Gly123Ser]PDQGSVKKSS